The following is an entry in ClinVar:

NM_002907.4(RECQL):c.822TTTTAC[1] (p.275FT[1])

Gene: RECQL (RecQ like helicase; minus strand). Cytogenetic location: 12p12.1.
Variant type: Microsatellite.
Coding change: c.822TTTTAC[1] on transcript NM_002907.4 (MANE Select); one copy of the 6-base unit TTTTAC starting at c.822; the reference has two copies in a row; one copy, 6 bases deleted.
Protein change: p.275FT[1].
Molecular consequence: inframe deletion.
Genome position (GRCh38, 1-based): chr12:21,477,837-21,477,842, GTAAAA deleted on the plus strand (TTTTAC on the coding strand, the reverse complement: RECQL is on the minus strand); deleting any 6 consecutive bases within chr12:21,477,837-21,477,848 gives the same sequence; the position shown is the placement nearest the transcript's 3' end. VCF-style (leftmost placement, unchanged base first): chr12-21477836-TGTAAAA-T. GRCh37 (hg19) VCF-style: chr12-21630770-TGTAAAA-T.
Other names: c.822TTTTAC[1], p.275FT[1] (NM_032941.3).
Identifiers: ClinVar variation 1762732 (VCV001762732.6), dbSNP rs1943114654, ClinGen allele CA2021151201.

ClinVar aggregate classification (germline): Uncertain significance. Review status: criteria provided, multiple submitters, no conflicts (2 of 4 stars). 2 submissions from 2 submitters: Uncertain significance (2). Last evaluated 2023-07-18.

Submissions (2):

Ambry Genetics
Classification: Uncertain significance. Last evaluated: 2023-07-18. Review status: criteria provided, single submitter. Criteria: Ambry Variant Classification Scheme 2023. Collection method: clinical testing. Allele origin: germline.
Comment: The c.828_833delTTTTAC variant (also known as p.F277_T278del) is located in coding exon 6 of the RECQL gene. This variant results from an in-frame TTTTAC deletion at nucleotide positions 828 to 833. This results in the in-frame deletion of phenylalanine and threonine residues at codon 277 to 278. This amino acid region is well conserved in available vertebrate species. The evidence for this gene-disease relationship is limited; therefore, the clinical significance of this alteration is unclear.

Labcorp Genetics (formerly Invitae), Labcorp
Classification: Uncertain significance. Last evaluated: 2022-11-10. Review status: criteria provided, single submitter. Criteria: Invitae Variant Classification Sherloc (09022015). Collection method: clinical testing. Allele origin: germline.
Comment: In summary, the available evidence is currently insufficient to determine the role of this variant in disease. Therefore, it has been classified as a Variant of Uncertain Significance. This variant, c.828_833del, results in the deletion of 2 amino acid(s) of the RECQL protein (p.Phe277_Thr278del), but otherwise preserves the integrity of the reading frame. This variant is not present in population databases (gnomAD no frequency). This variant has not been reported in the literature in individuals affected with RECQL-related conditions. Experimental studies and prediction algorithms are not available or were not evaluated, and the functional significance of this variant is currently unknown. Algorithms developed to predict the effect of sequence changes on RNA splicing suggest that this variant may disrupt the consensus splice site.